The following is an entry in ClinVar:

NM_018043.7(ANO1):c.1426-5C>G

Gene: ANO1 (anoctamin 1; plus strand). Cytogenetic location: 11q13.3.
Variant type: single nucleotide variant.
Coding change: c.1426-5C>G on transcript NM_018043.7 (MANE Select); 5 bases into the intron before coding-DNA position 1426, C replaced by G.
Molecular consequence: intron variant.
Genome position (GRCh38, 1-based): chr11:70,155,906, C>G. VCF-style: chr11-70155906-C-G. GRCh37 (hg19) VCF-style: chr11-70002012-C-G.
Other names: NC_000011.9:g.70002012C>G; c.1615-5C>G (NM_001378092.1); c.1414-5C>G (NM_001378093.1, NM_001378094.2); c.1492-1041C>G (NM_001378095.2); c.1414-1041C>G (NM_001378096.2); c.1327-1041C>G (NM_001378097.2).
Identifiers: ClinVar variation 3905175 (VCV003905175.11).

ClinVar aggregate classification (germline): Likely benign (1 of 4 stars; one submission).

gnomAD v4.1: 47 of 1,541,170 alleles (0.003%); highest among the groups gnomAD compares: Middle Eastern, 0.017%; no homozygotes.

Submissions (2):

CeGaT Center for Human Genetics Tuebingen
Classification: Likely benign. Last evaluated: 2025-05-01. Review status: criteria provided, single submitter. Criteria: CeGaT Center For Human Genetics Tuebingen Variant Classification Criteria Version 2. Collection method: clinical testing. Allele origin: germline. Affected: yes. Observed: 1 variant allele.
Comment: ANO1: BP4

Dr. Peter K. Rogan Lab, Western University
No classification provided (evidence only). Condition: Thymoma. Review status: no classification provided. Collection method: in vitro. Allele origin: not applicable. Functional consequence: skipped exon, retained intron. Not counted in ClinVar's aggregate classification.